The following is an entry in ClinVar:

ClinVar aggregate classification (germline): Conflicting classifications of pathogenicity. Review status: criteria provided, conflicting classifications (1 of 4 stars). 2 submissions from 2 submitters: Uncertain significance (1); Likely benign (1). Last evaluated 2025-08-04.

Conditions:
Inborn genetic diseases. Identifiers: MedGen C0950123, MeSH D030342.

Allele frequency attached by ClinVar (database versions not stated): gnomAD exomes 0.00001; TOPMed 0.00001; gnomAD 0.00003; ESP Exome Variant Server 0.00008.
gnomAD v4.1: 24 of 1,613,384 alleles (0.0015%); highest among the groups gnomAD compares: African/African-American, 0.017%; no homozygotes.

Submissions (2):

Ambry Genetics
Classification: Likely benign for Inborn genetic diseases. Last evaluated: 2025-08-04. Review status: criteria provided, single submitter. Criteria: Ambry Variant Classification Scheme 2023. Collection method: clinical testing. Allele origin: germline.

Labcorp Genetics (formerly Invitae), Labcorp
Classification: Uncertain significance. Last evaluated: 2022-03-10. Review status: criteria provided, single submitter. Criteria: Invitae Variant Classification Sherloc (09022015). Collection method: clinical testing. Allele origin: germline.
Comment: This sequence change replaces valine, which is neutral and non-polar, with isoleucine, which is neutral and non-polar, at codon 602 of the GGCX protein (p.Val602Ile). This variant is present in population databases (rs113962887, gnomAD 0.003%). This variant has not been reported in the literature in individuals affected with GGCX-related conditions. Algorithms developed to predict the effect of missense changes on protein structure and function output the following: SIFT: "Tolerated"; PolyPhen-2: "Benign"; Align-GVGD: "Class C0". The isoleucine amino acid residue is found in multiple mammalian species, which suggests that this missense change does not adversely affect protein function. In summary, the available evidence is currently insufficient to determine the role of this variant in disease. Therefore, it has been classified as a Variant of Uncertain Significance.

NM_000821.7(GGCX):c.1804G>A (p.Val602Ile)

Gene: GGCX (gamma-glutamyl carboxylase; minus strand). Cytogenetic location: 2p11.2.
Variant type: single nucleotide variant.
Coding change: c.1804G>A on transcript NM_000821.7 (MANE Select); coding-DNA position 1804, G replaced by A.
Protein change: p.Val602Ile; replaces valine 602 with isoleucine.
Molecular consequence: missense variant.
Genome position (GRCh38, 1-based): chr2:85,551,009, C>T on the plus strand (G>A on the coding strand, the complement: GGCX is on the minus strand). VCF-style: chr2-85551009-C-T. GRCh37 (hg19) VCF-style: chr2-85778132-C-T.
Other names: c.1633G>A, p.Val545Ile (NM_001142269.4); c.1804G>A (NM_000821.5); short protein forms V545I, V602I.
Identifiers: ClinVar variation 1912979 (VCV001912979.3), dbSNP rs113962887, ClinGen allele CA51735669.